The following is an entry in ClinVar:

NM_152906.7(TANGO2):c.357C>T (p.Phe119=)

Gene: TANGO2 (transport and golgi organization 2 homolog; plus strand). Cytogenetic location: 22q11.21.
Variant type: single nucleotide variant.
Coding change: c.357C>T on transcript NM_152906.7 (MANE Select); coding-DNA position 357, C replaced by T.
Protein change: p.Phe119=; no amino-acid change (phenylalanine 119 retained).
Molecular consequence: synonymous variant. On other transcripts: non-coding transcript variant (1), intron variant (18).
Genome position (GRCh38, 1-based): chr22:20,053,528, C>T. VCF-style: chr22-20053528-C-T. GRCh37 (hg19) VCF-style: chr22-20041051-C-T.
Other names: c.357C>T, p.Phe119= (NM_001283106.3, NM_001283116.3, NM_001283148.3 and 3 more transcripts); c.480C>T, p.Phe160= (NM_001283129.3, NM_001283215.3, NM_001322141.2 and 3 more transcripts); c.255C>T, p.Phe85= (NM_001322146.2, NM_001322148.2, NM_001322160.2); c.265+944C>T (NM_001322163.2, NM_001283179.3, NM_001322167.2 and 4 more transcripts); c.86+944C>T (NM_001322174.2, NM_001322172.2, NM_001322175.2 and 6 more transcripts); c.388+944C>T (NM_001322145.2, NM_001322147.2).
Identifiers: ClinVar variation 3388021 (VCV003388021.14).

ClinVar aggregate classification (germline): Likely benign (1 of 4 stars; one submission).

Submission:

CeGaT Center for Human Genetics Tuebingen
Classification: Likely benign. Last evaluated: 2024-10-01. Review status: criteria provided, single submitter. Criteria: CeGaT Center For Human Genetics Tuebingen Variant Classification Criteria Version 2. Collection method: clinical testing. Allele origin: germline. Affected: yes. Observed: 1 variant allele.
Comment: TANGO2: PM2:Supporting, BP4, BP7